The following is an entry in ClinVar:

NM_006265.3(RAD21):c.1694A>G (p.His565Arg)

Gene: RAD21 (RAD21 cohesin complex component; minus strand). Cytogenetic location: 8q24.11.
Variant type: single nucleotide variant.
Coding change: c.1694A>G on transcript NM_006265.3 (MANE Select); coding-DNA position 1694, A replaced by G.
Protein change: p.His565Arg; replaces histidine 565 with arginine.
Molecular consequence: missense variant.
Genome position (GRCh38, 1-based): chr8:116,848,956, T>C on the plus strand (A>G on the coding strand, the complement: RAD21 is on the minus strand). VCF-style: chr8-116848956-T-C. GRCh37 (hg19) VCF-style: chr8-117861195-T-C.
Other names: short protein forms H565R.
Identifiers: ClinVar variation 2852973 (VCV002852973.3), dbSNP rs1299225160, ClinGen allele CA371992622.

ClinVar aggregate classification (germline): Uncertain significance (1 of 4 stars; one submission).

Conditions:
Cornelia de Lange syndrome 4 (CDLS4). Also called: RAD21-Related Cornelia de Lange Syndrome; CORNELIA DE LANGE SYNDROME 4 WITH OR WITHOUT MIDLINE BRAIN DEFECTS. Identifiers: Orphanet 199, MedGen C3553517, MONDO:0013864, OMIM 614701.

Allele frequency attached by ClinVar (database versions not stated): gnomAD exomes below 0.00001.
gnomAD v4.1: 1 of 1,608,754 alleles (0.000062%); highest among the groups gnomAD compares: Non-Finnish European, 0.000085%; no homozygotes.

Submission:

Labcorp Genetics (formerly Invitae), Labcorp
Classification: Uncertain significance for Cornelia de Lange syndrome 4. Last evaluated: 2023-01-16. Review status: criteria provided, single submitter. Criteria: Invitae Variant Classification Sherloc (09022015). Collection method: clinical testing. Allele origin: germline.
Comment: In summary, the available evidence is currently insufficient to determine the role of this variant in disease. Therefore, it has been classified as a Variant of Uncertain Significance. Advanced modeling of protein sequence and biophysical properties (such as structural, functional, and spatial information, amino acid conservation, physicochemical variation, residue mobility, and thermodynamic stability) performed at Invitae indicates that this missense variant is not expected to disrupt RAD21 protein function. This variant has not been reported in the literature in individuals affected with RAD21-related conditions. This variant is not present in population databases (gnomAD no frequency). This sequence change replaces histidine, which is basic and polar, with arginine, which is basic and polar, at codon 565 of the RAD21 protein (p.His565Arg).